The following is an entry in ClinVar:

ClinVar aggregate classification (germline): Likely benign (1 of 4 stars; one submission).

Allele frequency attached by ClinVar (database versions not stated): gnomAD 0.00001 and 0.00017; TOPMed 0.00002; gnomAD exomes 0.00008; 1000 Genomes Project 0.00060; 1000 Genomes Project 30x 0.00094.
gnomAD v4.1: 38 of 304,664 alleles (0.012%); highest among the groups gnomAD compares: South Asian, 0.44%; no homozygotes.

Submission:

GeneDx
Classification: Likely benign. Last evaluated: 2017-10-27. Review status: criteria provided, single submitter. Criteria: GeneDx Variant Classification (06012015). Collection method: clinical testing. Allele origin: germline. Affected: yes.
Comment: This variant is considered likely benign or benign based on one or more of the following criteria: it is a conservative change, it occurs at a poorly conserved position in the protein, it is predicted to be benign by multiple in silico algorithms, and/or has population frequency not consistent with disease.

NM_001136193.2(FASTKD2):c.-124G>C

Genes: FASTKD2 (FAST kinase domains 2; plus strand), LOC129935479 (ATAC-STARR-seq lymphoblastoid active region 17028; plus strand). Cytogenetic location: 2q33.3.
Variant type: single nucleotide variant.
Coding change: c.-124G>C on transcript NM_001136193.2 (MANE Select); 124 bases upstream of the start codon, G replaced by C.
Molecular consequence: 5 prime UTR variant. On other transcripts: intron variant (1).
Genome position (GRCh38, 1-based): chr2:206,765,674, G>C. VCF-style: chr2-206765674-G-C. GRCh37 (hg19) VCF-style: chr2-207630398-G-C.
Other names: c.-139G>C (NM_001136194.2); c.-51+20G>C (NM_014929.4).
Identifiers: ClinVar variation 512769 (VCV000512769.1), dbSNP rs541828091, ClinGen allele CA63708322.